The following is an entry in ClinVar:

ClinVar aggregate classification (germline): Conflicting classifications of pathogenicity. Review status: criteria provided, conflicting classifications (1 of 4 stars). 3 submissions from 3 submitters: Uncertain significance (2); Likely benign (1). Last evaluated 2022-06-06.

Conditions:
Cardiovascular phenotype. Identifiers: MedGen CN230736.
Catecholaminergic polymorphic ventricular tachycardia 5 (CARDAR). Also called: CARDIAC ARRHYTHMIA SYNDROME, WITH OR WITHOUT SKELETAL MUSCLE WEAKNESS; Ventricular tachycardia, catecholaminergic polymorphic, 5, with or without muscle weakness. Identifiers: Orphanet 3286, MedGen C3809536, MONDO:0014191, OMIM 615441.
Catecholaminergic polymorphic ventricular tachycardia 1. Also called: RYR2-Related Catecholaminergic Polymorphic Ventricular Tachycardia; VENTRICULAR TACHYCARDIA, STRESS-INDUCED POLYMORPHIC 1; VENTRICULAR TACHYCARDIA, CATECHOLAMINERGIC POLYMORPHIC, 1, WITH OR WITHOUT ATRIAL DYSFUNCTION AND/OR DILATED CARDIOMYOPATHY. Identifiers: Orphanet 3286, MedGen C1631597, MONDO:0011484, OMIM 604772.

Allele frequency attached by ClinVar (database versions not stated): gnomAD exomes 0.00003 and 0.00021; gnomAD 0.00005 and 0.00006; TOPMed 0.00013; ESP Exome Variant Server 0.00009; ExAC 0.00030.
gnomAD v4.1: 46 of 1,535,842 alleles (0.003%); highest among the groups gnomAD compares: Admixed American, 0.085%; no homozygotes.

Submissions (4):

Ambry Genetics
Classification: Likely benign for Cardiovascular phenotype. Last evaluated: 2022-06-06. Review status: criteria provided, single submitter. Criteria: Ambry Variant Classification Scheme 2023. Collection method: clinical testing. Allele origin: germline.

Labcorp Genetics (formerly Invitae), Labcorp
Classification: Uncertain significance for Catecholaminergic polymorphic ventricular tachycardia 1. Last evaluated: 2022-03-26. Review status: criteria provided, single submitter. Criteria: Invitae Variant Classification Sherloc (09022015). Collection method: clinical testing. Allele origin: germline.
Comment: This sequence change replaces glutamine, which is neutral and polar, with arginine, which is basic and polar, at codon 266 of the TRDN protein (p.Gln266Arg). This variant is present in population databases (rs200068375, gnomAD 0.2%). This variant has not been reported in the literature in individuals affected with TRDN-related conditions. ClinVar contains an entry for this variant (Variation ID: 651783). Algorithms developed to predict the effect of missense changes on protein structure and function are either unavailable or do not agree on the potential impact of this missense change (SIFT: "Tolerated"; PolyPhen-2: "Probably Damaging"; Align-GVGD: "Class C0"). Algorithms developed to predict the effect of sequence changes on RNA splicing suggest that this variant may create or strengthen a splice site. In summary, the available evidence is currently insufficient to determine the role of this variant in disease. Therefore, it has been classified as a Variant of Uncertain Significance.

Center for Genomics, Ann and Robert H. Lurie Children's Hospital of Chicago
Classification: Uncertain significance for Catecholaminergic polymorphic ventricular tachycardia 5. Last evaluated: 2021-03-30. Review status: criteria provided, single submitter. Criteria: ACMG Guidelines, 2015. Collection method: clinical testing. Allele origin: germline.
Comment: TRDN NM_006073.3 exon 9 p.Gln266Arg (c.797A>G): This variant has not been reported in the literature and is present in 0.1% (31/19358) of Latino alleles in the Genome Aggregation Database. Evolutionary conservation and computational predictive tools suggest that this variant may impact the protein. Of note, splice prediction tools suggest that this variant may affect splicing. However, further studies are needed to understand its impact. In summary, data on this variant is insufficient for disease classification. Therefore, the clinical significance of this variant is uncertain.

Dr. Peter K. Rogan Lab, Western University
No classification provided (evidence only). Condition: Thyroid cancer, nonmedullary, 1. Review status: no classification provided. Collection method: in vitro. Allele origin: not applicable. Functional consequence: retained intron. Not counted in ClinVar's aggregate classification.

NM_006073.4(TRDN):c.797A>G (p.Gln266Arg)

Gene: TRDN (triadin; minus strand). Cytogenetic location: 6q22.31.
Variant type: single nucleotide variant.
Coding change: c.797A>G on transcript NM_006073.4 (MANE Select); coding-DNA position 797, A replaced by G.
Protein change: p.Gln266Arg; replaces glutamine 266 with arginine.
Molecular consequence: missense variant. On other transcripts: intron variant (1).
Genome position (GRCh38, 1-based): chr6:123,497,249, T>C on the plus strand (A>G on the coding strand, the complement: TRDN is on the minus strand). VCF-style: chr6-123497249-T-C. GRCh37 (hg19) VCF-style: chr6-123818394-T-C.
Other names: c.797A>G, p.Gln266Arg (NM_001251987.2); c.793+6470A>G (NM_001256020.2); short protein forms Q266R.
Identifiers: ClinVar variation 651783 (VCV000651783.11), dbSNP rs200068375, ClinGen allele CA3984255.